The following is an entry in ClinVar:

ClinVar aggregate classification (germline): Pathogenic/Likely pathogenic. Review status: criteria provided, multiple submitters, no conflicts (2 of 4 stars). 3 submissions from 3 submitters: Pathogenic (1); Likely pathogenic (2). Last evaluated 2024-04-04.

Conditions:
COL4A5-related disorder. Also called: COL4A5-related condition.
X-linked Alport syndrome (ATS1). Also called: NEPHROPATHY AND DEAFNESS, X-LINKED; COL4A5-Related Nephropathy. Identifiers: Orphanet 63, Orphanet 88917, MedGen C4746986, MONDO:0010520, OMIM 301050.

Submissions (4):

Fulgent Genetics
Classification: Pathogenic for X-linked Alport syndrome. Last evaluated: 2024-04-04. Review status: criteria provided, single submitter. Criteria: ACMG Guidelines, 2015. Collection method: clinical testing. Allele origin: germline.

PreventionGenetics, part of Exact Sciences
Classification: Likely pathogenic for COL4A5-related condition. Last evaluated: 2023-06-01. Review status: criteria provided, single submitter. Criteria: ACMG Guidelines, 2015. Collection method: clinical testing. Allele origin: germline.
Comment: The COL4A5 c.3427G>T variant is predicted to result in the amino acid substitution p.Gly1143Cys. The p.Gly1143 residue resides in the triple-helical region (residues 42 – 1456) of the COL4A5 protein. The majority of pathogenic variants in COL4A5 substitute a glycine residue to a bulkier amino acid in the triple-helical domain (Hudson et al. 1993. PubMed ID: 8253711). Several other substitutions of this amino acid (p.Gly1143Ser, p.Gly1143Asp, p.Gly1143Val) have been reported in individuals with Alport syndrome (Groopman EE et al 2018. PubMed ID: 30586318; Srinivasan M et al 2009. PubMed ID: 19729067; Zhao et al 2020. PubMed ID: 32607233). To our knowledge, this variant has not been reported in the literature or in a large population database, indicating this variant is rare. This variant is interpreted as likely pathogenic.

Athena Diagnostics
Classification: Likely pathogenic. Last evaluated: 2017-07-11. Review status: criteria provided, single submitter. Criteria: Athena Diagnostics Criteria. Collection method: clinical testing. Allele origin: germline.

Dr. Peter K. Rogan Lab, Western University
No classification provided (evidence only). Condition: Nonpapillary renal cell carcinoma. Review status: no classification provided. Collection method: in vitro. Allele origin: not applicable. Functional consequence: retained intron. Not counted in ClinVar's aggregate classification.

NM_033380.3(COL4A5):c.3427G>T (p.Gly1143Cys)

Gene: COL4A5 (collagen type IV alpha 5 chain; plus strand). Cytogenetic location: Xq22.3.
Variant type: single nucleotide variant.
Coding change: c.3427G>T on transcript NM_033380.3 (MANE Select); coding-DNA position 3427, G replaced by T.
Protein change: p.Gly1143Cys; replaces glycine 1143 with cysteine.
Molecular consequence: missense variant.
Genome position (GRCh38, 1-based): chrX:108,665,560, G>T. VCF-style: chrX-108665560-G-T. GRCh37 (hg19) VCF-style: chrX-107908790-G-T.
Other names: NC_000023.10:g.107908790G>T; c.3427G>T (NM_000495.4); c.3427G>T, p.Gly1143Cys (NM_000495.5); short protein forms G1143C.
Identifiers: ClinVar variation 447205 (VCV000447205.4), dbSNP rs104886228, ClinGen allele CA413847304.
Genomic context (GRCh38, chrX:108,665,560, plus strand): 5'-ACTCTAGGAACCCCAGGCCCTCCTGGACCAAAAGGTATTAGTGGCCCTCCTGGGAACCCC[G>T]GCCTTCCAGGAGAACCTGGTCCTGTAGGTAAGCATGAAAAATAACAGTTTGCTGTTTTAT-3'
Protein context (NP_203699.1, residues 1133-1153): KGISGPPGNP[Gly1143Cys]LPGEPGPVGG